The following is an entry in ClinVar:

ClinVar aggregate classification (germline): Uncertain significance (1 of 4 stars; one submission).

Conditions:
Hereditary cancer-predisposing syndrome. Also called: Hereditary Cancer Syndrome; Hereditary neoplastic syndrome; Tumor predisposition; Neoplastic Syndromes, Hereditary. Identifiers: Orphanet 140162, MedGen C0027672, MeSH D009386, MONDO:0015356.

Submission:

Ambry Genetics
Classification: Uncertain significance for Hereditary cancer-predisposing syndrome. Last evaluated: 2024-09-20. Review status: criteria provided, single submitter. Criteria: Ambry Variant Classification Scheme 2023. Collection method: clinical testing. Allele origin: germline.
Comment: The p.N843K variant (also known as c.2529C>A), located in coding exon 18 of the KIT gene, results from a C to A substitution at nucleotide position 2529. The asparagine at codon 843 is replaced by lysine, an amino acid with similar properties. This amino acid position is conserved. In addition, this alteration is predicted to be tolerated by in silico analysis. Since supporting evidence is limited at this time, the clinical significance of this alteration remains unclear.

NM_000222.3(KIT):c.2529C>A (p.Asn843Lys)

Gene: KIT (KIT proto-oncogene, receptor tyrosine kinase; plus strand). Cytogenetic location: 4q12.
Variant type: single nucleotide variant.
Coding change: c.2529C>A on transcript NM_000222.3 (MANE Select); coding-DNA position 2529, C replaced by A.
Protein change: p.Asn843Lys; replaces asparagine 843 with lysine.
Molecular consequence: missense variant.
Genome position (GRCh38, 1-based): chr4:54,736,542, C>A. VCF-style: chr4-54736542-C-A. GRCh37 (hg19) VCF-style: chr4-55602708-C-A.
Other names: c.2517C>A, p.Asn839Lys (NM_001093772.2, NM_001385292.1); c.2532C>A, p.Asn844Lys (NM_001385284.1); c.2526C>A, p.Asn842Lys (NM_001385285.1); c.2514C>A, p.Asn838Lys (NM_001385286.1); c.2520C>A, p.Asn840Lys (NM_001385288.1); c.2529C>A, p.Asn843Lys (NM_001385290.1); short protein forms N842K, N840K, N838K, N844K, N839K, N843K.
Identifiers: ClinVar variation 1792629 (VCV001792629.3), dbSNP rs2109811190, ClinGen allele CA356913109.